The following is an entry in ClinVar:

NM_015122.3(FCHO1):c.1012G>A (p.Glu338Lys)

Gene: FCHO1 (FCH and mu domain containing endocytic adaptor 1; plus strand). Cytogenetic location: 19p13.11.
Variant type: single nucleotide variant.
Coding change: c.1012G>A on transcript NM_015122.3 (MANE Select); coding-DNA position 1012, G replaced by A.
Protein change: p.Glu338Lys; replaces glutamic acid 338 with lysine.
Molecular consequence: missense variant. On other transcripts: non-coding transcript variant (36).
Genome position (GRCh38, 1-based): chr19:17,775,991, G>A. VCF-style: chr19-17775991-G-A. GRCh37 (hg19) VCF-style: chr19-17886800-G-A.
Other names: c.1012G>A, p.Glu338Lys (NM_001161357.2, NM_001161358.2, NM_001384370.1 and 25 more transcripts); c.862G>A, p.Glu288Lys (NM_001161359.2, NM_001384384.1, NM_001384385.1 and 3 more transcripts); c.973G>A, p.Glu325Lys (NM_001384388.1, NM_001384389.1, NM_001384405.1); c.937G>A, p.Glu313Lys (NM_001384390.1); c.967G>A, p.Glu323Lys (NM_001384403.1); short protein forms E313K, E325K, E338K, E323K, E288K.
Identifiers: ClinVar variation 1522247 (VCV001522247.7), dbSNP rs374706299, ClinGen allele CA9300368.

ClinVar aggregate classification (germline): Uncertain significance (1 of 4 stars; one submission).

Allele frequency attached by ClinVar (database versions not stated): ExAC 0.00001; gnomAD exomes 0.00002; TOPMed 0.00003; ESP Exome Variant Server 0.00008.
gnomAD v4.1: 16 of 1,607,450 alleles (0.001%); highest among the groups gnomAD compares: Non-Finnish European, 0.0011%; no homozygotes.

Submission:

Labcorp Genetics (formerly Invitae), Labcorp
Classification: Uncertain significance. Last evaluated: 2022-02-03. Review status: criteria provided, single submitter. Criteria: Invitae Variant Classification Sherloc (09022015). Collection method: clinical testing. Allele origin: germline.
Comment: In summary, the available evidence is currently insufficient to determine the role of this variant in disease. Therefore, it has been classified as a Variant of Uncertain Significance. Algorithms developed to predict the effect of missense changes on protein structure and function (SIFT, PolyPhen-2, Align-GVGD) all suggest that this variant is likely to be tolerated. This variant has not been reported in the literature in individuals affected with FCHO1-related conditions. This variant is present in population databases (rs374706299, gnomAD 0.01%). This sequence change replaces glutamic acid, which is acidic and polar, with lysine, which is basic and polar, at codon 338 of the FCHO1 protein (p.Glu338Lys).